The following is an entry in ClinVar:

ClinVar aggregate classification (germline): Uncertain significance (1 of 4 stars; one submission).

Conditions:
Inborn genetic diseases. Identifiers: MedGen C0950123, MeSH D030342.

gnomAD v4.1: 1 of 1,613,214 alleles (0.000062%); highest among the groups gnomAD compares: Non-Finnish European, 0.000085%; no homozygotes.

Submission:

Ambry Genetics
Classification: Uncertain significance for Inborn genetic diseases. Last evaluated: 2025-04-13. Review status: criteria provided, single submitter. Criteria: Ambry Variant Classification Scheme 2023. Collection method: clinical testing. Allele origin: germline.
Comment: The p.C69Y variant (also known as c.206G>A), located in coding exon 3 of the FANCA gene, results from a G to A substitution at nucleotide position 206. The cysteine at codon 69 is replaced by tyrosine, an amino acid with highly dissimilar properties. This amino acid position is conserved. In addition, this alteration is predicted to be tolerated by in silico analysis. Based on the available evidence, the clinical significance of this variant remains unclear.

NM_000135.4(FANCA):c.206G>A (p.Cys69Tyr)

Gene: FANCA (FA complementation group A; minus strand). Cytogenetic location: 16q24.3.
Variant type: single nucleotide variant.
Coding change: c.206G>A on transcript NM_000135.4 (MANE Select); coding-DNA position 206, G replaced by A.
Protein change: p.Cys69Tyr; replaces cysteine 69 with tyrosine.
Molecular consequence: missense variant.
Genome position (GRCh38, 1-based): chr16:89,814,597, C>T on the plus strand (G>A on the coding strand, the complement: FANCA is on the minus strand). VCF-style: chr16-89814597-C-T. GRCh37 (hg19) VCF-style: chr16-89881005-C-T.
Other names: c.206G>A, p.Cys69Tyr (NM_001018112.3, NM_001286167.3, NM_001351830.2); short protein forms C69Y.
Identifiers: ClinVar variation 4022184 (VCV004022184.1).